The following is an entry in ClinVar:

ClinVar aggregate classification (germline): Uncertain significance (1 of 4 stars; one submission).

Conditions:
Primary familial hypertrophic cardiomyopathy (HCM). Identifiers: Orphanet 99739, MedGen C0949658, MeSH D024741, MONDO:0024573. Inheritance: Various modes of inheritance.
Dilated cardiomyopathy 1AA (CMD1AA). Also called: CARDIOMYOPATHY, DILATED, 1AA, WITH OR WITHOUT LEFT VENTRICULAR NONCOMPACTION; CARDIOMYOPATHY, FAMILIAL HYPERTROPHIC, 23, WITH OR WITHOUT LEFT VENTRICULAR NONCOMPACTION; Cardiomyopathy, dilated, 1AA, with or without LVNC. Identifiers: Orphanet 154, MedGen C2677338, MONDO:0012808, OMIM 612158.

Submission:

Labcorp Genetics (formerly Invitae), Labcorp
Classification: Uncertain significance for Primary familial hypertrophic cardiomyopathy; Dilated cardiomyopathy 1AA. Last evaluated: 2025-07-14. Review status: criteria provided, single submitter. Criteria: Invitae Variant Classification Sherloc (09022015). Collection method: clinical testing. Allele origin: germline.
Comment: This sequence change creates a premature translational stop signal (p.Val249Serfs*27) in the ACTN2 gene. It is expected to result in an absent or disrupted protein product. However, the current clinical and genetic evidence is not sufficient to establish whether loss-of-function variants in ACTN2 cause disease. This variant is not present in population databases (gnomAD no frequency). This variant has not been reported in the literature in individuals affected with ACTN2-related conditions. Algorithms developed to predict the effect of sequence changes on RNA splicing suggest that this variant may disrupt the consensus splice site. In summary, the available evidence is currently insufficient to determine the role of this variant in disease. Therefore, it has been classified as a Variant of Uncertain Significance.

NM_001103.4(ACTN2):c.745del (p.Val249fs)

Gene: ACTN2 (actinin alpha 2; plus strand). Cytogenetic location: 1q43.
Variant type: Deletion.
Coding change: c.745del on transcript NM_001103.4 (MANE Select); coding-DNA position 745, one base deleted (G; older notation c.745delG).
Protein change: p.Val249fs; shifts the reading frame from valine 249.
Molecular consequence: frameshift variant. On other transcripts: non-coding transcript variant (1), intron variant (1).
Genome position (GRCh38, 1-based): chr1:236,735,682, G deleted. VCF-style (leftmost placement, unchanged base first): chr1-236735681-CG-C. GRCh37 (hg19) VCF-style: chr1-236898981-CG-C.
Other names: c.783+1164del (NM_001278343.2); short protein forms V249fs.
Identifiers: ClinVar variation 4785575 (VCV004785575.1).